The following is an entry in ClinVar:

NM_000051.4(ATM):c.3542A>G (p.Lys1181Arg)

Gene: ATM (ATM serine/threonine kinase; plus strand). Cytogenetic location: 11q22.3.
Variant type: single nucleotide variant.
Coding change: c.3542A>G on transcript NM_000051.4 (MANE Select); coding-DNA position 3542, A replaced by G.
Protein change: p.Lys1181Arg; replaces lysine 1181 with arginine.
Molecular consequence: missense variant.
Genome position (GRCh38, 1-based): chr11:108,281,134, A>G. VCF-style: chr11-108281134-A-G. GRCh37 (hg19) VCF-style: chr11-108151861-A-G.
Other names: c.3542A>G, p.Lys1181Arg (NM_001351834.2); short protein forms K1181R.
Identifiers: ClinVar variation 3453112 (VCV003453112.1).
Genomic context (GRCh38, chr11:108,281,134, plus strand): 5'-TTTTATCCTGTAGCCCTATCTGCGAAAAACAGGCTTTGTTTGCCCTGTGTAAATCTGTGA[A>G]AGAGAATGGATTAGAACCTCACCTTGTGAAAAAGGTATATATGGATGAGTATTTTATTAG-3'
Protein context (NP_000042.3, residues 1171-1191): QALFALCKSV[Lys1181Arg]ENGLEPHLVK

ClinVar aggregate classification (germline): Uncertain significance (1 of 4 stars; one submission).

Conditions:
Hereditary cancer-predisposing syndrome. Also called: Tumor predisposition; Neoplastic Syndromes, Hereditary; Hereditary neoplastic syndrome; Hereditary Cancer Syndrome. Identifiers: Orphanet 140162, MedGen C0027672, MeSH D009386, MONDO:0015356.

Submission:

Ambry Genetics
Classification: Uncertain significance for Hereditary cancer-predisposing syndrome. Last evaluated: 2024-12-08. Review status: criteria provided, single submitter. Criteria: Ambry Variant Classification Scheme 2023. Collection method: clinical testing. Allele origin: germline.
Comment: The p.K1181R variant (also known as c.3542A>G), located in coding exon 23 of the ATM gene, results from an A to G substitution at nucleotide position 3542. The lysine at codon 1181 is replaced by arginine, an amino acid with highly similar properties. This amino acid position is conserved. In addition, the in silico prediction for this alteration is inconclusive. Based on the available evidence, the clinical significance of this variant remains unclear.